The following is an entry in ClinVar:

NM_000092.5(COL4A4):c.2294G>A (p.Gly765Asp)

Gene: COL4A4 (collagen type IV alpha 4 chain; minus strand). Cytogenetic location: 2q36.3.
Variant type: single nucleotide variant.
Coding change: c.2294G>A on transcript NM_000092.5 (MANE Select); coding-DNA position 2294, G replaced by A.
Protein change: p.Gly765Asp; replaces glycine 765 with aspartic acid.
Molecular consequence: missense variant.
Genome position (GRCh38, 1-based): chr2:227,059,494, C>T on the plus strand (G>A on the coding strand, the complement: COL4A4 is on the minus strand). VCF-style: chr2-227059494-C-T. GRCh37 (hg19) VCF-style: chr2-227924210-C-T.
Other names: short protein forms G765D.
Identifiers: ClinVar variation 5003867 (VCV005003867.1).
Genomic context (GRCh38, chr2:227,059,494, plus strand): 5'-CTGGGTCCTTTTATCCCTGGCACTCCTGAAAGACCCCTCTTTCCCGGGGGTCCCAGGTGA[C>T]CAAATGCAGGGTCTCCCGGGATTCCTTTCTGACCATTCACTCCTGGTGAGCCGGGAGGGC-3'
Protein context (NP_000083.3, residues 755-775): QKGIPGDPAF[Gly765Asp]HLGPPGKRGL

ClinVar aggregate classification (germline): Uncertain significance (1 of 4 stars; one submission).

Conditions:
Alport syndrome. Also called: Hemorrhagic familial nephritis; Hemorrhagic hereditary nephritis; Congenital hereditary hematuria. Identifiers: Orphanet 63, MedGen C1567741, MONDO:0018965.

Submission:

Myriad Genetics, Inc.
Classification: Uncertain significance for Alport syndrome. Last evaluated: 2025-10-09. Review status: criteria provided, single submitter. Criteria: Myriad Autosomal Dominant, Autosomal Recessive and X-Linked Classification Criteria (2023). Collection method: clinical testing. Allele origin: unknown.
Comment: NM_000092.4(COL4A4):c.2294G>A(G765D) is a missense variant classified as a variant of uncertain significance in the context of Alport syndrome, COL4A4-related. G765D has not been observed in cases with relevant disease. Relevant functional assessments of this variant are not available in the literature. G765D has not been observed in referenced population frequency databases. In summary, there is insufficient evidence to classify NM_000092.4(COL4A4):c.2294G>A(G765D) as pathogenic or benign. Please note: this variant was assessed in the context of healthy population screening.